The following is an entry in ClinVar:

ClinVar aggregate classification (germline): Uncertain significance (1 of 4 stars; one submission).

Submission:

Ambry Genetics
Classification: Uncertain significance. Last evaluated: 2025-06-14. Review status: criteria provided, single submitter. Criteria: Ambry Variant Classification Scheme 2023. Collection method: clinical testing. Allele origin: germline.
Comment: The p.T1128I variant (also known as c.3383C>T), located in coding exon 3 of the MLH3 gene, results from a C to T substitution at nucleotide position 3383. The threonine at codon 1128 is replaced by isoleucine, an amino acid with similar properties. This amino acid position is conserved. In addition, this alteration is predicted to be tolerated by in silico analysis. Based on the available evidence, the clinical significance of this variant remains unclear.

NM_001040108.2(MLH3):c.3383C>T (p.Thr1128Ile)

Gene: MLH3 (mutL homolog 3; minus strand). Cytogenetic location: 14q24.3.
Variant type: single nucleotide variant.
Coding change: c.3383C>T on transcript NM_001040108.2 (MANE Select); coding-DNA position 3383, C replaced by T.
Protein change: p.Thr1128Ile; replaces threonine 1128 with isoleucine.
Molecular consequence: missense variant.
Genome position (GRCh38, 1-based): chr14:75,041,697, G>A on the plus strand (C>T on the coding strand, the complement: MLH3 is on the minus strand). VCF-style: chr14-75041697-G-A. GRCh37 (hg19) VCF-style: chr14-75508400-G-A.
Other names: c.3383C>T, p.Thr1128Ile (NM_014381.3); short protein forms T1128I.
Identifiers: ClinVar variation 4055436 (VCV004055436.1).